The following is an entry in ClinVar:

NM_177438.3(DICER1):c.1420A>G (p.Ile474Val)

Gene: DICER1 (dicer 1, ribonuclease III; minus strand). Cytogenetic location: 14q32.13.
Variant type: single nucleotide variant.
Coding change: c.1420A>G on transcript NM_177438.3 (MANE Select); coding-DNA position 1420, A replaced by G.
Protein change: p.Ile474Val; replaces isoleucine 474 with valine.
Molecular consequence: missense variant.
Genome position (GRCh38, 1-based): chr14:95,117,711, T>C on the plus strand (A>G on the coding strand, the complement: DICER1 is on the minus strand). VCF-style: chr14-95117711-T-C. GRCh37 (hg19) VCF-style: chr14-95584048-T-C.
Other names: c.1420A>G, p.Ile474Val (NM_001195573.1, NM_001271282.3, NM_001291628.2 and 1 more transcripts); short protein forms I474V.
Identifiers: ClinVar variation 412034 (VCV000412034.12), dbSNP rs1060503581, ClinGen allele CA16614699.
Genomic context (GRCh38, chr14:95,117,711, plus strand): 5'-TCTGTTTGTTGCGAGGCTGATTCTTCCCAATGCCATGTCCAGTTATGAAATTGCTACTGA[T>C]ATAAGCCAGCTCTGGATCTTGTTTGCCAGCTTCCTTTATCAATCTAAGAAAATTATACAC-3'
Protein context (NP_803187.1, residues 464-484): AGKQDPELAY[Ile474Val]SSNFITGHGI

ClinVar aggregate classification (germline): Uncertain significance. Review status: criteria provided, multiple submitters, no conflicts (2 of 4 stars). 2 submissions from 2 submitters: Uncertain significance (2). Last evaluated 2025-05-30.

Conditions:
DICER1-related tumor predisposition. Also called: DICER1-related pleuropulmonary blastoma cancer predisposition syndrome; DICER1 syndrome. Identifiers: Orphanet 284343, MedGen C3839822, MONDO:0100216.
Hereditary cancer-predisposing syndrome. Also called: Hereditary neoplastic syndrome; Neoplastic Syndromes, Hereditary; Tumor predisposition; Hereditary Cancer Syndrome. Identifiers: Orphanet 140162, MedGen C0027672, MeSH D009386, MONDO:0015356.

Submissions (2):

Ambry Genetics
Classification: Uncertain significance for Hereditary cancer-predisposing syndrome. Last evaluated: 2025-05-30. Review status: criteria provided, single submitter. Criteria: Ambry Variant Classification Scheme 2023. Collection method: clinical testing. Allele origin: germline.
Comment: The p.I474V variant (also known as c.1420A>G), located in coding exon 8 of the DICER1 gene, results from an A to G substitution at nucleotide position 1420. The isoleucine at codon 474 is replaced by valine, an amino acid with highly similar properties. This alteration has been reported as a mutation in an individual from a cohort of 1191 cancer index patients who underwent clinical evaluation and testing with multigene panels (Chan GHJ et al. Oncotarget, 2018 Jul;9:30649-30660). This amino acid position is highly conserved in available vertebrate species. In addition, this alteration is predicted to be tolerated by in silico analysis. Since supporting evidence is limited at this time, the clinical significance of this alteration remains unclear.

Labcorp Genetics (formerly Invitae), Labcorp
Classification: Uncertain significance for DICER1-related tumor predisposition. Last evaluated: 2023-08-24. Review status: criteria provided, single submitter. Criteria: Invitae Variant Classification Sherloc (09022015). Collection method: clinical testing. Allele origin: germline.
Comment: This sequence change replaces isoleucine, which is neutral and non-polar, with valine, which is neutral and non-polar, at codon 474 of the DICER1 protein (p.Ile474Val). In summary, the available evidence is currently insufficient to determine the role of this variant in disease. Therefore, it has been classified as a Variant of Uncertain Significance. Advanced modeling of protein sequence and biophysical properties (such as structural, functional, and spatial information, amino acid conservation, physicochemical variation, residue mobility, and thermodynamic stability) performed at Invitae indicates that this missense variant is not expected to disrupt DICER1 protein function. ClinVar contains an entry for this variant (Variation ID: 412034). This missense change has been observed in individual(s) with breast cancer (PMID: 30093976). This variant is not present in population databases (gnomAD no frequency).

Literature cited by the submitters: PubMed 30093976 (cited by Ambry Genetics and Labcorp Genetics (formerly Invitae), Labcorp).